The following is an entry in ClinVar:

NM_001367624.2(ZNF469):c.8717C>T (p.Ala2906Val)

Gene: ZNF469 (zinc finger protein 469; plus strand). Cytogenetic location: 16q24.2.
Variant type: single nucleotide variant.
Coding change: c.8717C>T on transcript NM_001367624.2 (MANE Select); coding-DNA position 8717, C replaced by T.
Protein change: p.Ala2906Val; replaces alanine 2906 with valine.
Molecular consequence: missense variant.
Genome position (GRCh38, 1-based): chr16:88,436,187, C>T. VCF-style: chr16-88436187-C-T. GRCh37 (hg19) VCF-style: chr16-88502595-C-T.
Other names: NM_001127464.1:c.8633C>T; short protein forms A2906V.
Identifiers: ClinVar variation 4866995 (VCV004866995.1).
Genomic context (GRCh38, chr16:88,436,187, plus strand): 5'-TGCTCCCGCTGCCAACCCAGCCCAGCTTTGAGGAGGGCGGTGACCCCACGCTGGGCCCAG[C>T]CCGCCTGCCCACGGACCTCAGCGACTCCAGCTCCCTCTGCCTCTGCCATGAGGACCCGTG-3'
Protein context (NP_001354553.1, residues 2896-2916): EEGGDPTLGP[Ala2906Val]RLPTDLSDSS

ClinVar aggregate classification (germline): Uncertain significance (1 of 4 stars; one submission).

Conditions:
Cardiovascular phenotype. Identifiers: MedGen CN230736.

Submission:

Ambry Genetics
Classification: Uncertain significance for Cardiovascular phenotype. Last evaluated: 2026-04-20. Review status: criteria provided, single submitter. Criteria: Ambry Variant Classification Scheme 2023. Collection method: clinical testing. Allele origin: germline.
Comment: The p.A2878V variant (also known as c.8633C>T), located in coding exon 2 of the ZNF469 gene, results from a C to T substitution at nucleotide position 8633. The alanine at codon 2878 is replaced by valine, an amino acid with similar properties. This amino acid position is conserved. In addition, this alteration is predicted to be tolerated by in silico analysis. Based on the available evidence, the clinical significance of this variant remains unclear.